The following is an entry in ClinVar:

NM_018843.4(SLC25A40):c.829A>G (p.Met277Val)

Gene: SLC25A40 (solute carrier family 25 member 40; minus strand). Cytogenetic location: 7q21.12.
Variant type: single nucleotide variant.
Coding change: c.829A>G on transcript NM_018843.4 (MANE Select); coding-DNA position 829, A replaced by G.
Protein change: p.Met277Val; replaces methionine 277 with valine.
Molecular consequence: missense variant.
Genome position (GRCh38, 1-based): chr7:87,836,805, T>C on the plus strand (A>G on the coding strand, the complement: SLC25A40 is on the minus strand). VCF-style: chr7-87836805-T-C. GRCh37 (hg19) VCF-style: chr7-87466120-T-C.
Other names: short protein forms M277V.
Identifiers: ClinVar variation 3052778 (VCV003052778.2), dbSNP rs61740453, ClinGen allele CA4329188.
Genomic context (GRCh38, chr7:87,836,805, plus strand): 5'-AAAATCCATTTTTAGCAACAATGTTCTTCATTATAATCCAGGTTGACATATGCAAAGGCA[T>C]AGAAACTAAATGTTAAAATAAAGAAATAATGCTATTATAAATAACAATTTAATAATTCCT-3'
Protein context (NP_061331.2, residues 267-287): LWTYESHKIS[Met277Val]PLHMSTWIIM

ClinVar aggregate classification (germline): Likely benign (0 of 4 stars; one submission).

Conditions:
SLC25A40-related disorder. Also called: SLC25A40-related condition.

Allele frequency attached by ClinVar (database versions not stated): gnomAD exomes 0.00016; ExAC 0.00054; ESP Exome Variant Server 0.00141; 1000 Genomes Project 30x 0.00156; 1000 Genomes Project 0.00160; TOPMed 0.00164.
gnomAD v4.1: 445 of 1,500,258 alleles (0.03%); highest among the groups gnomAD compares: African/African-American, 0.51%; no homozygotes.

Submission:

PreventionGenetics, part of Exact Sciences
Classification: Likely benign for SLC25A40-related condition. Last evaluated: 2019-08-27. Review status: no assertion criteria provided. Collection method: clinical testing. Allele origin: germline.
Comment: This variant is classified as likely benign based on ACMG/AMP sequence variant interpretation guidelines (Richards et al. 2015 PMID: 25741868, with internal and published modifications).